The following is an entry in ClinVar:

NM_005996.4(TBX3):c.1818C>A (p.His606Gln)

Gene: TBX3 (T-box transcription factor 3; minus strand). Cytogenetic location: 12q24.21.
Variant type: single nucleotide variant.
Coding change: c.1818C>A on transcript NM_005996.4 (MANE Select); coding-DNA position 1818, C replaced by A.
Protein change: p.His606Gln; replaces histidine 606 with glutamine.
Molecular consequence: missense variant.
Genome position (GRCh38, 1-based): chr12:114,672,195, G>T on the plus strand (C>A on the coding strand, the complement: TBX3 is on the minus strand). VCF-style: chr12-114672195-G-T. GRCh37 (hg19) VCF-style: chr12-115110000-G-T.
Other names: c.1878C>A, p.His626Gln (NM_016569.4); short protein forms H606Q, H626Q.
Identifiers: ClinVar variation 2631970 (VCV002631970.4), dbSNP rs954634731, ClinGen allele CA244141712.

ClinVar aggregate classification (germline): Uncertain significance. Review status: criteria provided, multiple submitters, no conflicts (2 of 4 stars). 2 submissions from 2 submitters: Uncertain significance (2). Last evaluated 2025-03-24.

Conditions:
TBX3-related disorder. Also called: TBX3-related condition.
Ulnar-mammary syndrome (UMS). Also called: PALLISTER ULNAR-MAMMARY SYNDROME; Ulnar-mammary syndrome of Pallister; SCHINZEL SYNDROME. Identifiers: Orphanet 3138, MedGen C1866994, MONDO:0008411, OMIM 181450.

Allele frequency attached by ClinVar (database versions not stated): gnomAD 0.00007.
gnomAD v4.1: 61 of 1,572,172 alleles (0.0039%); highest among the groups gnomAD compares: Non-Finnish European, 0.0052%; no homozygotes.

Submissions (2):

Labcorp Genetics (formerly Invitae), Labcorp
Classification: Uncertain significance for Ulnar-mammary syndrome. Last evaluated: 2025-03-24. Review status: criteria provided, single submitter. Criteria: Invitae Variant Classification Sherloc (09022015). Collection method: clinical testing. Allele origin: germline.
Comment: This sequence change replaces histidine, which is basic and polar, with glutamine, which is neutral and polar, at codon 606 of the TBX3 protein (p.His606Gln). The frequency data for this variant in the population databases is considered unreliable, as metrics indicate poor data quality at this position in the gnomAD database. This variant has not been reported in the literature in individuals affected with TBX3-related conditions. ClinVar contains an entry for this variant (Variation ID: 2631970). An algorithm developed to predict the effect of missense changes on protein structure and function (PolyPhen-2) suggests that this variant is likely to be disruptive. In summary, the available evidence is currently insufficient to determine the role of this variant in disease. Therefore, it has been classified as a Variant of Uncertain Significance.

PreventionGenetics, part of Exact Sciences
Classification: Uncertain significance for TBX3-related condition. Last evaluated: 2025-02-07. Review status: criteria provided, single submitter. Criteria: ACMG Guidelines, 2015. Collection method: clinical testing. Allele origin: germline.
Comment: The TBX3 c.1878C>A variant is predicted to result in the amino acid substitution p.His626Gln. To our knowledge, this variant has not been reported in the literature. This variant is reported in 0.0059% of alleles in individuals of European (non-Finnish) descent in gnomAD. At this time, the clinical significance of this variant is uncertain due to the absence of conclusive functional and genetic evidence.